The following is an entry in ClinVar:

ClinVar aggregate classification (germline): Uncertain significance (1 of 4 stars; one submission).

Conditions:
Neuronal ceroid lipofuscinosis. Also called: Neuronal Ceroid Lipofuscinoses. Identifiers: Orphanet 216, Orphanet 79263, MedGen C0027877, MONDO:0016295. Disease mechanism: loss of function.

Allele frequency attached by ClinVar (database versions not stated): TOPMed below 0.00001.

Submission:

Labcorp Genetics (formerly Invitae), Labcorp
Classification: Uncertain significance for Neuronal ceroid lipofuscinosis. Last evaluated: 2022-04-24. Review status: criteria provided, single submitter. Criteria: Invitae Variant Classification Sherloc (09022015). Collection method: clinical testing. Allele origin: germline.
Comment: This sequence change replaces serine, which is neutral and polar, with alanine, which is neutral and non-polar, at codon 55 of the CLN8 protein (p.Ser55Ala). This variant is not present in population databases (gnomAD no frequency). This variant has not been reported in the literature in individuals affected with CLN8-related conditions. Advanced modeling of protein sequence and biophysical properties (such as structural, functional, and spatial information, amino acid conservation, physicochemical variation, residue mobility, and thermodynamic stability) performed at Invitae indicates that this missense variant is not expected to disrupt CLN8 protein function. In summary, the available evidence is currently insufficient to determine the role of this variant in disease. Therefore, it has been classified as a Variant of Uncertain Significance.

NM_018941.4(CLN8):c.163T>G (p.Ser55Ala)

Gene: CLN8 (CLN8 transmembrane ER and ERGIC protein; plus strand). Cytogenetic location: 8p23.3.
Variant type: single nucleotide variant.
Coding change: c.163T>G on transcript NM_018941.4 (MANE Select); coding-DNA position 163, T replaced by G.
Protein change: p.Ser55Ala; replaces serine 55 with alanine.
Molecular consequence: missense variant.
Genome position (GRCh38, 1-based): chr8:1,771,217, T>G. VCF-style: chr8-1771217-T-G. GRCh37 (hg19) VCF-style: chr8-1719383-T-G.
Other names: short protein forms S55A.
Identifiers: ClinVar variation 2417473 (VCV002417473.4), dbSNP rs1585137673, ClinGen allele CA369952992.